The following is an entry in ClinVar:

NM_052844.4(DYNC2I2):c.604C>T (p.Arg202Trp)

Gene: DYNC2I2 (dynein 2 intermediate chain 2; minus strand). Cytogenetic location: 9q34.11.
Variant type: single nucleotide variant.
Coding change: c.604C>T on transcript NM_052844.4 (MANE Select); coding-DNA position 604, C replaced by T.
Protein change: p.Arg202Trp; replaces arginine 202 with tryptophan.
Molecular consequence: missense variant.
Genome position (GRCh38, 1-based): chr9:128,636,380, G>A on the plus strand (C>T on the coding strand, the complement: DYNC2I2 is on the minus strand). VCF-style: chr9-128636380-G-A. GRCh37 (hg19) VCF-style: chr9-131398659-G-A.
Other names: c.604C>T (NM_052844.3); short protein forms R202W.
Identifiers: ClinVar variation 2041547 (VCV002041547.2), dbSNP rs368141165, ClinGen allele CA5266547.

ClinVar aggregate classification (germline): Uncertain significance. Review status: criteria provided, multiple submitters, no conflicts (2 of 4 stars). 2 submissions from 2 submitters: Uncertain significance (2). Last evaluated 2025-02-27.

Conditions:
Short-rib thoracic dysplasia 11 with or without polydactyly (SRTD11). Also called: SHORT-RIB THORACIC DYSPLASIA 11 WITHOUT POLYDACTYLY. Identifiers: Orphanet 474, Orphanet 93271, MedGen C3810200, MONDO:0014287, OMIM 615633.
Inborn genetic diseases. Identifiers: MedGen C0950123, MeSH D030342.

Allele frequency attached by ClinVar (database versions not stated): ExAC 0.00015; ESP Exome Variant Server 0.00015.

Submissions (2):

Ambry Genetics
Classification: Uncertain significance for Inborn genetic diseases. Last evaluated: 2025-02-27. Review status: criteria provided, single submitter. Criteria: Ambry Variant Classification Scheme 2023. Collection method: clinical testing. Allele origin: germline.

Labcorp Genetics (formerly Invitae), Labcorp
Classification: Uncertain significance for Short-rib thoracic dysplasia 11 with or without polydactyly. Last evaluated: 2022-03-04. Review status: criteria provided, single submitter. Criteria: Invitae Variant Classification Sherloc (09022015). Collection method: clinical testing. Allele origin: germline.
Comment: This sequence change replaces arginine, which is basic and polar, with tryptophan, which is neutral and slightly polar, at codon 202 of the WDR34 protein (p.Arg202Trp). This variant is present in population databases (rs368141165, gnomAD 0.04%). This variant has not been reported in the literature in individuals affected with WDR34-related conditions. Algorithms developed to predict the effect of missense changes on protein structure and function are either unavailable or do not agree on the potential impact of this missense change (SIFT: "Deleterious"; PolyPhen-2: "Probably Damaging"; Align-GVGD: "Class C15"). In summary, the available evidence is currently insufficient to determine the role of this variant in disease. Therefore, it has been classified as a Variant of Uncertain Significance.